The following is an entry in ClinVar:

ClinVar aggregate classification (germline): Pathogenic (1 of 4 stars; one submission).

Conditions:
Majeed syndrome (MJDS). Also called: CHRONIC RECURRENT MULTIFOCAL OSTEOMYELITIS 1, WITH CONGENITAL DYSERYTHROPOIETIC ANEMIA, WITH OR WITHOUT NEUTROPHILIC DERMATOSIS; LPIN2-Related Majeed Syndrome. Identifiers: Orphanet 77297, MedGen C1864997, MONDO:0012316, OMIM 609628.

Submission:

Labcorp Genetics (formerly Invitae), Labcorp
Classification: Pathogenic for Majeed syndrome. Last evaluated: 2022-09-28. Review status: criteria provided, single submitter. Criteria: Invitae Variant Classification Sherloc (09022015). Collection method: clinical testing. Allele origin: germline.
Comment: A gross deletion of the genomic region encompassing the full coding sequence of the LPIN2 gene has been identified. Loss-of-function variants in LPIN2 are known to be pathogenic (PMID: 15994876, 23087183). The boundaries of this event are unknown as they extend beyond the assayed region for this gene and therefore may encompass additional genes. This variant has not been reported in the literature in individuals affected with LPIN2-related conditions. For these reasons, this variant has been classified as Pathogenic.

Literature cited by the submitters: PubMed 15994876; PubMed 23087183.

NC_000018.9:g.(?_2656075)_(2960838_?)del

Genes: LPIN2 (lipin 2; minus strand), EMILIN2 (elastin microfibril interfacer 2; plus strand), SMCHD1 (structural maintenance of chromosomes flexible hinge domain containing 1; plus strand). Cytogenetic location: 18p11.32-11.31.
Variant type: Deletion.
Identifiers: ClinVar variation 2425962 (VCV002425962.2).